The following is an entry in ClinVar:

ClinVar aggregate classification (germline): Benign/Likely benign. Review status: criteria provided, multiple submitters, no conflicts (2 of 4 stars). 6 submissions from 6 submitters: Benign (2); Likely benign (4). Last evaluated 2026-02-03.

Conditions:
Hyperekplexia 2 (HKPX2). Identifiers: Orphanet 3197, MedGen C3553291, MONDO:0013828, OMIM 614619.

Allele frequency attached by ClinVar (database versions not stated): 1000 Genomes Project 0.00080; 1000 Genomes Project 30x 0.00109; gnomAD 0.00215; TOPMed 0.00225; ESP Exome Variant Server 0.00261.
gnomAD v4.1: 4,927 of 1,550,224 alleles (0.32%); highest among the groups gnomAD compares: Non-Finnish European, 0.4%; 13 homozygotes.

Submissions (6):

Labcorp Genetics (formerly Invitae), Labcorp
Classification: Benign for Hyperekplexia 2. Last evaluated: 2026-02-03. Review status: criteria provided, single submitter. Criteria: Invitae Variant Classification Sherloc (09022015). Collection method: clinical testing. Allele origin: germline.

Blueprint Genetics
Classification: Likely benign. Last evaluated: 2024-11-25. Review status: criteria provided, single submitter. Criteria: ACMG Guidelines, 2015. Collection method: clinical testing. Allele origin: germline.

Illumina Laboratory Services, Illumina
Classification: Benign for Hyperekplexia 2. Last evaluated: 2018-01-13. Review status: criteria provided, single submitter. Criteria: ICSL Variant Classification Criteria 13 December 2019. Collection method: clinical testing. Allele origin: germline.
Comment: This variant was observed in the ICSL laboratory as part of a predisposition screen in an ostensibly healthy population. It had not been previously curated by ICSL or reported in the Human Gene Mutation Database (HGMD: prior to June 1st, 2018), and was therefore a candidate for classification through an automated scoring system. Utilizing variant allele frequency, disease prevalence and penetrance estimates, and inheritance mode, an automated score was calculated to assess if this variant is too frequent to cause the disease. Based on the score and internal cut-off values, a variant classified as benign is not then subjected to further curation. The score for this variant resulted in a classification of benign for this disease.

Genome Diagnostics Laboratory, University Medical Center Utrecht
Classification: Likely benign for Hyperekplexia 2. Last evaluated: 2017-11-27. Review status: criteria provided, single submitter. Criteria: ACGS Guidelines, 2013. Collection method: clinical testing. Allele origin: germline. Affected: yes. Study: VKGL Data-share Consensus.

Clinical Genetics DNA and cytogenetics Diagnostics Lab, Erasmus MC, Erasmus Medical Center
Classification: Likely benign for Hyperekplexia 2. Last evaluated: 2015-08-27. Review status: criteria provided, single submitter. Criteria: ACGS Guidelines, 2013. Collection method: clinical testing. Allele origin: germline. Affected: yes. Study: VKGL Data-share Consensus.

Breakthrough Genomics
Classification: Likely benign. Review status: criteria provided, single submitter. Criteria: ACMG Guidelines, 2015. Collection method: not provided. Allele origin: germline. Inheritance: Autosomal recessive inheritance. Affected: yes.

NM_000824.5(GLRB):c.527+7T>C

Gene: GLRB (glycine receptor beta; plus strand). Cytogenetic location: 4q32.1.
Variant type: single nucleotide variant.
Coding change: c.527+7T>C on transcript NM_000824.5 (MANE Select); 7 bases into the intron after coding-DNA position 527, T replaced by C.
Molecular consequence: intron variant.
Genome position (GRCh38, 1-based): chr4:157,136,705, T>C. VCF-style: chr4-157136705-T-C. GRCh37 (hg19) VCF-style: chr4-158057857-T-C.
Other names: c.527+7T>C (NM_001166061.2, NM_001166060.2).
Identifiers: ClinVar variation 347918 (VCV000347918.18), dbSNP rs138020195, ClinGen allele CA3119773.